The following is an entry in ClinVar:

NM_000257.4(MYH7):c.4070T>C (p.Leu1357Pro)

Gene: MYH7 (myosin heavy chain 7; minus strand). Cytogenetic location: 14q11.2.
Variant type: single nucleotide variant.
Coding change: c.4070T>C on transcript NM_000257.4 (MANE Select); coding-DNA position 4070, T replaced by C.
Protein change: p.Leu1357Pro; replaces leucine 1357 with proline.
Molecular consequence: missense variant.
Genome position (GRCh38, 1-based): chr14:23,418,309, A>G on the plus strand (T>C on the coding strand, the complement: MYH7 is on the minus strand). VCF-style: chr14-23418309-A-G. GRCh37 (hg19) VCF-style: chr14-23887518-A-G.
Other names: p.L1357P:CTG>CCG; c.4070T>C (LRG_384t1); short protein forms L1357P.
Identifiers: ClinVar variation 181240 (VCV000181240.3), dbSNP rs730880788, ClinGen allele CA014407.

ClinVar aggregate classification (germline): Uncertain significance (1 of 4 stars; one submission).

Submission:

GeneDx
Classification: Uncertain significance. Last evaluated: 2021-03-12. Review status: criteria provided, single submitter. Criteria: GeneDx Variant Classification Process June 2021. Collection method: clinical testing. Allele origin: germline. Affected: yes.
Comment: Has not been previously published as pathogenic or benign to our knowledge; Not observed in large population cohorts (Lek et al., 2016); In silico analysis supports that this missense variant has a deleterious effect on protein structure/function